The following is an entry in ClinVar:

NM_001458.5(FLNC):c.1248C>A (p.Asp416Glu)

Gene: FLNC (filamin C; plus strand). Cytogenetic location: 7q32.1.
Variant type: single nucleotide variant.
Coding change: c.1248C>A on transcript NM_001458.5 (MANE Select); coding-DNA position 1248, C replaced by A.
Protein change: p.Asp416Glu; replaces aspartic acid 416 with glutamic acid.
Molecular consequence: missense variant.
Genome position (GRCh38, 1-based): chr7:128,838,640, C>A. VCF-style: chr7-128838640-C-A. GRCh37 (hg19) VCF-style: chr7-128478694-C-A.
Other names: c.1248C>A, p.Asp416Glu (NM_001127487.2); short protein forms D416E.
Identifiers: ClinVar variation 2954444 (VCV002954444.3), dbSNP rs2536621996, ClinGen allele CA369224443.

ClinVar aggregate classification (germline): Uncertain significance (1 of 4 stars; one submission).

Conditions:
Hypertrophic cardiomyopathy 26. Also called: Cardiomyopathy, familial hypertrophic, 26. Identifiers: Orphanet 75249, MedGen C4310749, MONDO:0014883, OMIM 617047.
Myofibrillar myopathy 5. Also called: Filaminopathy (type); FILAMINOPATHY, AUTOSOMAL DOMINANT. Identifiers: Orphanet 171445, MedGen C1836050, MONDO:0012289, OMIM 609524.
Distal myopathy with posterior leg and anterior hand involvement. Also called: WILLIAMS DISTAL MYOPATHY. Identifiers: Orphanet 63273, MedGen C3279722, MONDO:0013550, OMIM 614065.

Submission:

Labcorp Genetics (formerly Invitae), Labcorp
Classification: Uncertain significance for Distal myopathy with posterior leg and anterior hand involvement; Myofibrillar myopathy 5; Hypertrophic cardiomyopathy 26. Last evaluated: 2023-12-05. Review status: criteria provided, single submitter. Criteria: Invitae Variant Classification Sherloc (09022015). Collection method: clinical testing. Allele origin: germline.
Comment: This sequence change replaces aspartic acid, which is acidic and polar, with glutamic acid, which is acidic and polar, at codon 416 of the FLNC protein (p.Asp416Glu). This variant is not present in population databases (gnomAD no frequency). This variant has not been reported in the literature in individuals affected with FLNC-related conditions. Advanced modeling of protein sequence and biophysical properties (such as structural, functional, and spatial information, amino acid conservation, physicochemical variation, residue mobility, and thermodynamic stability) has been performed at Invitae for this missense variant, however the output from this modeling did not meet the statistical confidence thresholds required to predict the impact of this variant on FLNC protein function. In summary, the available evidence is currently insufficient to determine the role of this variant in disease. Therefore, it has been classified as a Variant of Uncertain Significance.